The following is an entry in ClinVar:

NM_173086.5(KRT6C):c.1396C>T (p.Arg466Cys)

Gene: KRT6C (keratin 6C; minus strand). Cytogenetic location: 12q13.13.
Variant type: single nucleotide variant.
Coding change: c.1396C>T on transcript NM_173086.5 (MANE Select); coding-DNA position 1396, C replaced by T.
Protein change: p.Arg466Cys; replaces arginine 466 with cysteine.
Molecular consequence: missense variant.
Genome position (GRCh38, 1-based): chr12:52,469,698, G>A on the plus strand (C>T on the coding strand, the complement: KRT6C is on the minus strand). VCF-style: chr12-52469698-G-A. GRCh37 (hg19) VCF-style: chr12-52863482-G-A.
Other names: c.1396C>T (NM_173086.4); short protein forms R466C.
Identifiers: ClinVar variation 2901786 (VCV002901786.4), dbSNP rs754984737, ClinGen allele CA6581139.

ClinVar aggregate classification (germline): Uncertain significance. Review status: criteria provided, multiple submitters, no conflicts (2 of 4 stars). 2 submissions from 2 submitters: Uncertain significance (2). Last evaluated 2025-02-20.

Conditions:
Inborn genetic diseases. Identifiers: MedGen C0950123, MeSH D030342.

Allele frequency attached by ClinVar (database versions not stated): TOPMed 0.00002; gnomAD 0.00005; gnomAD exomes 0.00005; ExAC 0.00006.
gnomAD v4.1: 85 of 1,614,036 alleles (0.0053%); highest among the groups gnomAD compares: Non-Finnish European, 0.0068%; no homozygotes.

Submissions (2):

Ambry Genetics
Classification: Uncertain significance for Inborn genetic diseases. Last evaluated: 2025-02-20. Review status: criteria provided, single submitter. Criteria: Ambry Variant Classification Scheme 2023. Collection method: clinical testing. Allele origin: germline.

Labcorp Genetics (formerly Invitae), Labcorp
Classification: Uncertain significance. Last evaluated: 2023-02-16. Review status: criteria provided, single submitter. Criteria: Invitae Variant Classification Sherloc (09022015). Collection method: clinical testing. Allele origin: germline.
Comment: In summary, the available evidence is currently insufficient to determine the role of this variant in disease. Therefore, it has been classified as a Variant of Uncertain Significance. Advanced modeling of protein sequence and biophysical properties (such as structural, functional, and spatial information, amino acid conservation, physicochemical variation, residue mobility, and thermodynamic stability) performed at Invitae indicates that this missense variant is not expected to disrupt KRT6C protein function. This variant has not been reported in the literature in individuals affected with KRT6C-related conditions. This variant is present in population databases (rs754984737, gnomAD 0.009%). This sequence change replaces arginine, which is basic and polar, with cysteine, which is neutral and slightly polar, at codon 466 of the KRT6C protein (p.Arg466Cys).